The following is an entry in ClinVar:

NM_206933.4(USH2A):c.13808A>C (p.His4603Pro)

Gene: USH2A (usherin; minus strand). Cytogenetic location: 1q41.
Variant type: single nucleotide variant.
Coding change: c.13808A>C on transcript NM_206933.4 (MANE Select); coding-DNA position 13808, A replaced by C.
Protein change: p.His4603Pro; replaces histidine 4603 with proline.
Molecular consequence: missense variant.
Genome position (GRCh38, 1-based): chr1:215,674,103, T>G on the plus strand (A>C on the coding strand, the complement: USH2A is on the minus strand). VCF-style: chr1-215674103-T-G. GRCh37 (hg19) VCF-style: chr1-215847445-T-G.
Other names: NM_206933.4(USH2A):c.13808A>C; short protein forms H4603P.
Identifiers: ClinVar variation 178937 (VCV000178937.17), dbSNP rs727504551, ClinGen allele CA183350.

ClinVar aggregate classification (germline): Likely pathogenic. Review status: reviewed by expert panel (3 of 4 stars). 5 submissions from 5 submitters: Likely pathogenic (1). 4 of the submissions do not count toward it. Last evaluated 2024-11-20.

Conditions:
Usher syndrome. Also called: Usher Syndromes; Usher's syndrome. Identifiers: Orphanet 886, MedGen CN469326, MeSH D052245, MONDO:0019501. Disease mechanism: loss of function.
Retinitis pigmentosa 39 (RP39). Identifiers: Orphanet 791, MedGen C3151138, MONDO:0013436, OMIM 613809.
Usher syndrome type 2A. Also called: USHER SYNDROME, TYPE IIA; RETINAL DISEASE IN USHER SYNDROME TYPE IIA, MODIFIER OF. Identifiers: Orphanet 231178, Orphanet 886, MedGen C1848634, MONDO:0010169, OMIM 276901.
USH2A-related disorder. Also called: USH2A-related condition; USH2A-related disorders. Identifiers: MedGen CN239332.

Allele frequency attached by ClinVar (database versions not stated): gnomAD exomes below 0.00001.
gnomAD v4.1: 4 of 1,614,048 alleles (0.00025%); highest among the groups gnomAD compares: Non-Finnish European, 0.00034%; no homozygotes.

Submissions (5):

ClinGen Hearing Loss Variant Curation Expert Panel
Classification: Likely pathogenic for Usher syndrome. Last evaluated: 2024-11-20. Review status: reviewed by expert panel. Criteria: Clingen Hl Acmg Specifications Cdh23 Coch Gjb2 Kcnq4 Myo6 Myo7a Slc26a4 Tecta Ush2a V2. Collection method: curation. Allele origin: germline. Inheritance: Autosomal recessive inheritance.
Comment: The c.13808A>C (p.His4603Pro) variant in USH2A is a missense variant predicted to cause a substitution of histidine by a proline at amino acid 4603. The highest population minor allele frequency in gnomAD v4.1.0 is 0.00000084 (4/1179986 alleles) in the european non-finnish population, which is lower than the ClinGen Hearing Loss VCEP threshold (<0.00007) for PM2_Supporting, meeting this criterion (PM2_Supporting). The computational predictor REVEL gives a score of 0.34, which is neither above nor below the thresholds predicting a damaging or benign impact on USH2A function. Besides, this variant has been detected in 4 individuals with USH2A associated conditions which is highly specific for disease (PP4). All individuals were heterozygous for the variant and a pathogenic or likely pathogenic variant with phase unknown (c.2299del, p.(Glu767Serfs*21); c.5118G>A, p.(Trp1706*); c.2276G>T, p.(Cys759Phe) and c.5573-834A>G; PM3 3 points, Blueprint Genetics internal evidence SCV001239096.1) (PM3_Strong). In summary, this variant meets the criteria to be classified as likely pathogenic for autosomal recessive USH2A condition (isolated RP) based on the ACMG/AMP criteria applied, as specified by the ClinGen Hearing Loss VCEP: PM2_P, PM3_Strong and PP4. (ClinGen Hearing Loss VCEP specifications version 2, 20.11.2024).

Labcorp Genetics (formerly Invitae), Labcorp
Classification: Likely pathogenic. Last evaluated: 2024-02-06. Review status: criteria provided, single submitter. Criteria: Invitae Variant Classification Sherloc (09022015). Collection method: clinical testing. Allele origin: germline. Not counted in ClinVar's aggregate classification.
Comment: This sequence change replaces histidine, which is basic and polar, with proline, which is neutral and non-polar, at codon 4603 of the USH2A protein (p.His4603Pro). This variant is not present in population databases (gnomAD no frequency). This missense change has been observed in individual(s) with clinical features of retinitis pigmentosa (PMID: 28157192; Invitae). In at least one individual the data is consistent with being in trans (on the opposite chromosome) from a pathogenic variant. ClinVar contains an entry for this variant (Variation ID: 178937). Advanced modeling of protein sequence and biophysical properties (such as structural, functional, and spatial information, amino acid conservation, physicochemical variation, residue mobility, and thermodynamic stability) performed at Invitae indicates that this missense variant is not expected to disrupt USH2A protein function with a negative predictive value of 95%. In summary, the currently available evidence indicates that the variant is pathogenic, but additional data are needed to prove that conclusively. Therefore, this variant has been classified as Likely Pathogenic.

Blueprint Genetics
Classification: Pathogenic for USH2A-related disorders. Last evaluated: 2022-05-24. Review status: criteria provided, single submitter. Criteria: ACMG Guidelines, 2015. Collection method: clinical testing. Allele origin: germline. Affected: yes. Observed: 5 variant alleles. Not counted in ClinVar's aggregate classification.

Laboratory for Molecular Medicine, Mass General Brigham Personalized Medicine
Classification: Uncertain significance. Last evaluated: 2013-07-23. Review status: criteria provided, single submitter. Criteria: LMM Criteria. Collection method: clinical testing. Allele origin: germline. Observed: 1 variant allele. Not counted in ClinVar's aggregate classification.
Comment: The His4603Pro variant in USH2A has not been reported in individuals with hearin g loss or in large population studies. Computational analyses (biochemical amin o acid properties, conservation, AlignGVGD, PolyPhen2, and SIFT) do not provide strong support for or against an impact to the protein. In summary, additional d ata is needed to determine the clinical significance of this variant.

Counsyl
Classification: Uncertain significance for Usher syndrome type 2A; Retinitis pigmentosa 39. Last evaluated: 2017-12-21. Review status: no assertion criteria provided. Collection method: clinical testing. Allele origin: unknown. Not counted in ClinVar's aggregate classification.

Literature cited by the submitters: PubMed 28157192 (cited by Labcorp Genetics (formerly Invitae), Labcorp and Counsyl).